The following is an entry in ClinVar:

NM_000528.4(MAN2B1):c.670_671del (p.Gln224fs)

Gene: MAN2B1 (mannosidase alpha class 2B member 1; minus strand). Cytogenetic location: 19p13.13.
Variant type: Deletion.
Coding change: c.670_671del on transcript NM_000528.4 (MANE Select); coding-DNA positions 670 to 671, 2 bases deleted (CA; older notation c.670_671delCA).
Protein change: p.Gln224fs; shifts the reading frame from glutamine 224.
Molecular consequence: frameshift variant.
Genome position (GRCh38, 1-based): chr19:12,663,795-12,663,796, TG deleted on the plus strand (CA on the coding strand, the reverse complement: MAN2B1 is on the minus strand). VCF-style (leftmost placement, unchanged base first): chr19-12663794-TTG-T. GRCh37 (hg19) VCF-style: chr19-12774608-TTG-T.
Other names: c.670_671del, p.Gln224fs (NM_001173498.2); short protein forms Q224fs.
Identifiers: ClinVar variation 2008655 (VCV002008655.4), dbSNP rs2512512467, ClinGen allele CA2580096638.

ClinVar aggregate classification (germline): Pathogenic (1 of 4 stars; one submission).

Conditions:
Deficiency of alpha-mannosidase (MANSA). Also called: Mannosidosis, alpha-, types I and II; LYSOSOMAL ALPHA-D-MANNOSIDASE DEFICIENCY; Alpha-Mannosidosis. Identifiers: Orphanet 61, MedGen C0024748, MONDO:0009561, OMIM 248500.

Submission:

Labcorp Genetics (formerly Invitae), Labcorp
Classification: Pathogenic for Deficiency of alpha-mannosidase. Last evaluated: 2024-10-21. Review status: criteria provided, single submitter. Criteria: Invitae Variant Classification Sherloc (09022015). Collection method: clinical testing. Allele origin: germline.
Comment: This sequence change creates a premature translational stop signal (p.Gln224Argfs*2) in the MAN2B1 gene. It is expected to result in an absent or disrupted protein product. Loss-of-function variants in MAN2B1 are known to be pathogenic (PMID: 9915946, 22161967). This variant is not present in population databases (gnomAD no frequency). This variant has not been reported in the literature in individuals affected with MAN2B1-related conditions. ClinVar contains an entry for this variant (Variation ID: 2008655). For these reasons, this variant has been classified as Pathogenic.

Literature cited by the submitters: PubMed 9915946; PubMed 22161967.